The following is an entry in ClinVar:

ClinVar aggregate classification (germline): Conflicting classifications of pathogenicity. Review status: criteria provided, conflicting classifications (1 of 4 stars). 6 submissions from 5 submitters: Uncertain significance (1); Benign (3); Likely benign (1). 1 of the submissions does not count toward it. Last evaluated 2026-01-07.

Conditions:
Charcot-Marie-Tooth disease type 2. Also called: Charcot-Marie-Tooth type 2. Identifiers: Orphanet 64746, MedGen C0270914, MONDO:0018993.
Hereditary motor and sensory neuropathy with optic atrophy. Also called: PERIPHERAL NEUROPATHY AND OPTIC ATROPHY; CHARCOT-MARIE-TOOTH DISEASE, TYPE 6. Identifiers: Orphanet 90120, MedGen C0393807, MONDO:0019551.
MFN2-related disorder. Also called: MFN2-related condition; MFN2-related disorders.
Charcot-Marie-Tooth disease. Also called: Charcot-Marie-Tooth Neuropathy; Charcot-Marie-Tooth Hereditary Neuropathy. Identifiers: Orphanet 166, MedGen C0007959, MONDO:0015626.

Allele frequency attached by ClinVar (database versions not stated): gnomAD 0.00014 and 0.00019; gnomAD exomes 0.00018 and 0.00050; TOPMed 0.00028; 1000 Genomes Project 30x 0.00031; 1000 Genomes Project 0.00040; ExAC 0.00044.
gnomAD v4.1: 286 of 1,614,016 alleles (0.018%); highest among the groups gnomAD compares: East Asian, 0.6%; 2 homozygotes.

Submissions (7):

Labcorp Genetics (formerly Invitae), Labcorp
Classification: Benign for Charcot-Marie-Tooth disease type 2. Last evaluated: 2026-01-07. Review status: criteria provided, single submitter. Criteria: Invitae Variant Classification Sherloc (09022015). Collection method: clinical testing. Allele origin: germline.

Blueprint Genetics
Classification: Likely benign. Last evaluated: 2024-11-04. Review status: criteria provided, single submitter. Criteria: ACMG Guidelines, 2015. Collection method: clinical testing. Allele origin: germline.

Illumina Laboratory Services, Illumina
Classification: Benign for Neuropathy, hereditary motor and sensory, type 6A. Last evaluated: 2018-01-12. Review status: criteria provided, single submitter. Criteria: ICSL Variant Classification Criteria 13 December 2019. Collection method: clinical testing. Allele origin: germline.
Comment: This variant was observed in the ICSL laboratory as part of a predisposition screen in an ostensibly healthy population. It had not been previously curated by ICSL or reported in the Human Gene Mutation Database (HGMD: prior to June 1st, 2018), and was therefore a candidate for classification through an automated scoring system. Utilizing variant allele frequency, disease prevalence and penetrance estimates, and inheritance mode, an automated score was calculated to assess if this variant is too frequent to cause the disease. Based on the score and internal cut-off values, a variant classified as benign is not then subjected to further curation. The score for this variant resulted in a classification of benign for this disease.

Illumina Laboratory Services, Illumina
Classification: Benign for Charcot-Marie-Tooth disease, type 2. Last evaluated: 2018-01-12. Review status: criteria provided, single submitter. Criteria: ICSL Variant Classification Criteria 13 December 2019. Collection method: clinical testing. Allele origin: germline.
Comment: the same text as in the submission from Illumina Laboratory Services, Illumina above.

Molecular Genetics Laboratory, London Health Sciences Centre
Classification: Uncertain significance for Charcot-Marie-Tooth disease. Review status: criteria provided, single submitter. Criteria: ACMG Guidelines, 2015. Collection method: clinical testing. Allele origin: germline. Affected: yes.

PreventionGenetics, part of Exact Sciences
Classification: Likely benign for MFN2-related condition. Last evaluated: 2019-10-01. Review status: no assertion criteria provided. Collection method: clinical testing. Allele origin: germline. Not counted in ClinVar's aggregate classification.
Comment: This variant is classified as likely benign based on ACMG/AMP sequence variant interpretation guidelines (Richards et al. 2015 PMID: 25741868, with internal and published modifications).

Dr. Peter K. Rogan Lab, Western University
No classification provided (evidence only). Condition: Hepatocellular carcinoma. Review status: no classification provided. Collection method: in vitro. Allele origin: not applicable. Functional consequence: retained intron. Not counted in ClinVar's aggregate classification.

NM_014874.4(MFN2):c.474+4A>G

Gene: MFN2 (mitofusin 2; plus strand). Cytogenetic location: 1p36.22.
Variant type: single nucleotide variant.
Coding change: c.474+4A>G on transcript NM_014874.4 (MANE Select); 4 bases into the intron after coding-DNA position 474, A replaced by G.
Molecular consequence: intron variant.
Genome position (GRCh38, 1-based): chr1:11,996,322, A>G. VCF-style: chr1-11996322-A-G. GRCh37 (hg19) VCF-style: chr1-12056379-A-G.
Other names: c.474+4A>G (NM_001127660.2).
Identifiers: ClinVar variation 292372 (VCV000292372.20), dbSNP rs141974160, ClinGen allele CA598826.